The following is an entry in ClinVar:

NM_001035.3(RYR2):c.14672G>A (p.Cys4891Tyr)

Gene: RYR2 (ryanodine receptor 2; plus strand). Cytogenetic location: 1q43.
Variant type: single nucleotide variant.
Coding change: c.14672G>A on transcript NM_001035.3 (MANE Select); coding-DNA position 14672, G replaced by A.
Protein change: p.Cys4891Tyr; replaces cysteine 4891 with tyrosine.
Molecular consequence: missense variant.
Genome position (GRCh38, 1-based): chr1:237,830,546, G>A. VCF-style: chr1-237830546-G-A. GRCh37 (hg19) VCF-style: chr1-237993846-G-A.
Other names: short protein forms C4891Y.
Identifiers: ClinVar variation 5018380 (VCV005018380.1).
Genomic context (GRCh38, chr1:237,830,546, plus strand): 5'-TTGCTTTCTGAACTCTGACGTTAATATTTCCCTTTGTTTTCTAGACCAAATGCTTCATCT[G>A]TGGGATAGGCAATGATTACTTCGACACAGTGCCACATGGCTTTGAAACCCACACTTTACA-3'
Protein context (NP_001026.2, residues 4881-4901): KEDMETKCFI[Cys4891Tyr]GIGNDYFDTV

ClinVar aggregate classification (germline): Uncertain significance (1 of 4 stars; one submission).

Submission:

GeneDx
Classification: Uncertain significance. Last evaluated: 2026-04-11. Review status: criteria provided, single submitter. Criteria: GeneDx Variant Classification Process June 2021. Collection method: clinical testing. Allele origin: germline.
Comment: Not observed at significant frequency in large population cohorts (gnomAD); In silico analysis supports that this missense variant has a deleterious effect on protein structure/function; Has not been previously published as pathogenic or benign to our knowledge; Located in one of the three hot-spot regions of the RYR2 gene, where the majority of pathogenic missense variants occur (PMID: 19926015); This variant is associated with the following publications: (PMID: 19926015)